The following is an entry in ClinVar:

ClinVar aggregate classification (germline): Uncertain significance (1 of 4 stars; one submission).

Conditions:
Atrial septal defect 5 (ASD5). Identifiers: Orphanet 1478, MedGen C2748552, MONDO:0013011, OMIM 612794.
Hypertrophic cardiomyopathy 11. Also called: ACTC1-Related Familial Hypertrophic Cardiomyopathy. Identifiers: MedGen C2677506, MONDO:0012799, OMIM 612098.
Dilated cardiomyopathy 1R (CMD1R). Identifiers: Orphanet 154, Orphanet 54260, MedGen C3150681, MONDO:0013261, OMIM 613424.

Submission:

Labcorp Genetics (formerly Invitae), Labcorp
Classification: Uncertain significance for Dilated cardiomyopathy 1R; Hypertrophic cardiomyopathy 11; Atrial septal defect 5. Last evaluated: 2024-08-12. Review status: criteria provided, single submitter. Criteria: Invitae Variant Classification Sherloc (09022015). Collection method: clinical testing. Allele origin: germline.
Comment: This sequence change replaces glycine, which is neutral and non-polar, with serine, which is neutral and polar, at codon 57 of the ACTC1 protein (p.Gly57Ser). This variant is not present in population databases (gnomAD no frequency). This variant has not been reported in the literature in individuals affected with ACTC1-related conditions. Advanced modeling of protein sequence and biophysical properties (such as structural, functional, and spatial information, amino acid conservation, physicochemical variation, residue mobility, and thermodynamic stability) has been performed at Invitae for this missense variant, however the output from this modeling did not meet the statistical confidence thresholds required to predict the impact of this variant on ACTC1 protein function. In summary, the available evidence is currently insufficient to determine the role of this variant in disease. Therefore, it has been classified as a Variant of Uncertain Significance.

NM_005159.5(ACTC1):c.169G>A (p.Gly57Ser)

Genes: ACTC1 (actin alpha cardiac muscle 1; minus strand), GJD2-DT (GJD2 divergent transcript; plus strand). Cytogenetic location: 15q14.
Variant type: single nucleotide variant.
Coding change: c.169G>A on transcript NM_005159.5 (MANE Select); coding-DNA position 169, G replaced by A.
Protein change: p.Gly57Ser; replaces glycine 57 with serine.
Molecular consequence: missense variant. On other transcripts: 5 prime UTR variant (1).
Genome position (GRCh38, 1-based): chr15:34,793,530, C>T on the plus strand (G>A on the coding strand, the complement: ACTC1 is on the minus strand). VCF-style: chr15-34793530-C-T. GRCh37 (hg19) VCF-style: chr15-35085731-C-T.
Other names: c.169G>A, p.Gly57Ser (NM_001406482.1, NM_001406483.1); c.34G>A, p.Gly12Ser (NM_001406484.1); c.-220G>A (NM_001406485.1); short protein forms G12S, G57S.
Identifiers: ClinVar variation 3752785 (VCV003752785.2).